The following is an entry in ClinVar:

NM_207303.4(ATRNL1):c.729T>C (p.Ala243=)

Gene: ATRNL1 (attractin like 1; plus strand). Cytogenetic location: 10q25.3.
Variant type: single nucleotide variant.
Coding change: c.729T>C on transcript NM_207303.4 (MANE Select); coding-DNA position 729, T replaced by C.
Protein change: p.Ala243=; no amino-acid change (alanine 243 retained).
Molecular consequence: synonymous variant. On other transcripts: non-coding transcript variant (1).
Genome position (GRCh38, 1-based): chr10:115,129,435, T>C. VCF-style: chr10-115129435-T-C. GRCh37 (hg19) VCF-style: chr10-116889197-T-C.
Other names: c.729T>C, p.Ala243= (NM_001276282.4).
Identifiers: ClinVar variation 2640869 (VCV002640869.24), dbSNP rs782731288, ClinGen allele CA471567282.

ClinVar aggregate classification (germline): Likely benign (1 of 4 stars; one submission).

Submission:

CeGaT Center for Human Genetics Tuebingen
Classification: Likely benign. Last evaluated: 2022-04-01. Review status: criteria provided, single submitter. Criteria: CeGaT Center For Human Genetics Tuebingen Variant Classification Criteria Version 2. Collection method: clinical testing. Allele origin: germline. Affected: yes. Observed: 1 variant allele.
Comment: ATRNL1: PM2:Supporting, BP4, BP7